The following is an entry in ClinVar:

ClinVar aggregate classification (germline): Pathogenic (1 of 4 stars; one submission).

Submission:

CeGaT Center for Human Genetics Tuebingen
Classification: Pathogenic. Last evaluated: 2026-03-01. Review status: criteria provided, single submitter. Criteria: CeGaT Center For Human Genetics Tuebingen Variant Classification Criteria Version 2. Collection method: clinical testing. Allele origin: germline. Affected: yes. Observed: 1 variant allele.
Comment: SLC20A2: PVS1, PM2

NM_001257180.2(SLC20A2):c.1180del (p.Cys394fs)

Gene: SLC20A2 (solute carrier family 20 member 2; minus strand). Cytogenetic location: 8p11.21.
Variant type: Deletion.
Coding change: c.1180del on transcript NM_001257180.2 (MANE Select); coding-DNA position 1180, one base deleted (T; older notation c.1180delT).
Protein change: p.Cys394fs; shifts the reading frame from cysteine 394.
Molecular consequence: frameshift variant.
Genome position (GRCh38, 1-based): chr8:42,437,332, A deleted on the plus strand (T on the coding strand, the reverse complement: SLC20A2 is on the minus strand); the first of 3 consecutive A bases (chr8:42,437,332-42,437,334); deleting any one gives the same sequence. VCF-style (leftmost placement, unchanged base first): chr8-42437331-CA-C. GRCh37 (hg19) VCF-style: chr8-42294849-CA-C.
Other names: c.1180del, p.Cys394fs (NM_001257181.2, NM_006749.5); short protein forms C394fs.
Identifiers: ClinVar variation 4823628 (VCV004823628.4).